The following is an entry in ClinVar:

NM_000321.3(RB1):c.2238A>G (p.Glu746=)

Gene: RB1 (RB transcriptional corepressor 1; plus strand). Cytogenetic location: 13q14.2.
Variant type: single nucleotide variant.
Coding change: c.2238A>G on transcript NM_000321.3 (MANE Select); coding-DNA position 2238, A replaced by G.
Protein change: p.Glu746=; no amino-acid change (glutamic acid 746 retained).
Molecular consequence: synonymous variant.
Genome position (GRCh38, 1-based): chr13:48,465,024, A>G. VCF-style: chr13-48465024-A-G. GRCh37 (hg19) VCF-style: chr13-49039160-A-G.
Identifiers: ClinVar variation 458142 (VCV000458142.17), dbSNP rs991505835, ClinGen allele CA249310358.

ClinVar aggregate classification (germline): Benign/Likely benign. Review status: criteria provided, multiple submitters, no conflicts (2 of 4 stars). 3 submissions from 3 submitters: Benign (1); Likely benign (2). Last evaluated 2026-06-25.

Conditions:
Hereditary cancer-predisposing syndrome. Also called: Hereditary neoplastic syndrome; Neoplastic Syndromes, Hereditary; Hereditary Cancer Syndrome; Tumor predisposition. Identifiers: Orphanet 140162, MedGen C0027672, MeSH D009386, MONDO:0015356.
Retinoblastoma (RB1). Also called: RETINOBLASTOMA, SOMATIC. Identifiers: Orphanet 790, MedGen C0035335, MeSH D012175, MONDO:0008380, OMIM 180200, HP:0009919. Disease mechanism: loss of function. Inheritance: Both sporadic and heritable forms are tested..

Allele frequency attached by ClinVar (database versions not stated): gnomAD exomes 0.00001.
gnomAD v4.1: 12 of 1,605,008 alleles (0.00075%); highest among the groups gnomAD compares: East Asian, 0.0022%; no homozygotes.

Submissions (3):

Myriad Genetics, Inc.
Classification: Benign for Retinoblastoma. Last evaluated: 2026-06-25. Review status: criteria provided, single submitter. Criteria: Myriad Autosomal Dominant, Autosomal Recessive and X-Linked Classification Criteria (2023). Collection method: clinical testing. Allele origin: unknown.
Comment: This variant is considered benign. This variant is a silent/synonymous amino acid change and it is not expected to impact splicing.

Labcorp Genetics (formerly Invitae), Labcorp
Classification: Likely benign for Retinoblastoma. Last evaluated: 2025-10-13. Review status: criteria provided, single submitter. Criteria: Invitae Variant Classification Sherloc (09022015). Collection method: clinical testing. Allele origin: germline.

Ambry Genetics
Classification: Likely benign for Hereditary cancer-predisposing syndrome. Last evaluated: 2023-08-09. Review status: criteria provided, single submitter. Criteria: Ambry Variant Classification Scheme 2023. Collection method: clinical testing. Allele origin: germline.